The following is an entry in ClinVar:

NM_012470.4(TNPO3):c.1636C>T (p.Arg546Cys)

Gene: TNPO3 (transportin 3; minus strand). Cytogenetic location: 7q32.1.
Variant type: single nucleotide variant.
Coding change: c.1636C>T on transcript NM_012470.4 (MANE Select); coding-DNA position 1636, C replaced by T.
Protein change: p.Arg546Cys; replaces arginine 546 with cysteine.
Molecular consequence: missense variant. On other transcripts: non-coding transcript variant (18), intron variant (2).
Genome position (GRCh38, 1-based): chr7:128,986,783, G>A on the plus strand (C>T on the coding strand, the complement: TNPO3 is on the minus strand). VCF-style: chr7-128986783-G-A. GRCh37 (hg19) VCF-style: chr7-128626837-G-A.
Other names: c.1738C>T, p.Arg580Cys (NM_001382216.1); c.1717C>T, p.Arg573Cys (NM_001382217.1); c.1636C>T, p.Arg546Cys (NM_001382218.1, NM_001382220.1); c.1528C>T, p.Arg510Cys (NM_001382219.1); c.1492C>T, p.Arg498Cys (NM_001382221.1); c.1489C>T, p.Arg497Cys (NM_001382222.1); c.1499-2524C>T (NM_001382223.1, NM_001191028.3); short protein forms R546C, R497C, R498C, R510C, R573C, R580C.
Identifiers: ClinVar variation 284684 (VCV000284684.16), dbSNP rs148210365, ClinGen allele CA4478095.

ClinVar aggregate classification (germline): Uncertain significance. Review status: criteria provided, multiple submitters, no conflicts (2 of 4 stars). 5 submissions from 5 submitters: Uncertain significance (5). Last evaluated 2026-01-13.

Conditions:
Autosomal dominant limb-girdle muscular dystrophy type 1F (LGMDD2). Also called: MUSCULAR DYSTROPHY, LIMB-GIRDLE, AUTOSOMAL DOMINANT 2; Limb-girdle muscular dystrophy, type 1F. Identifiers: Orphanet 55595, MedGen C1842062, MONDO:0012034, OMIM 608423.

Allele frequency attached by ClinVar (database versions not stated): gnomAD exomes 0.00004 and 0.00013; gnomAD 0.00006; TOPMed 0.00006; ExAC 0.00007; 1000 Genomes Project 0.00020; 1000 Genomes Project 30x 0.00031; ESP Exome Variant Server 0.00031.
gnomAD v4.1: 198 of 1,613,982 alleles (0.012%); highest among the groups gnomAD compares: Non-Finnish European, 0.016%; no homozygotes.

Submissions (5):

Labcorp Genetics (formerly Invitae), Labcorp
Classification: Uncertain significance for Autosomal dominant limb-girdle muscular dystrophy type 1F. Last evaluated: 2026-01-13. Review status: criteria provided, single submitter. Criteria: Invitae Variant Classification Sherloc (09022015). Collection method: clinical testing. Allele origin: germline.
Comment: This sequence change replaces arginine, which is basic and polar, with cysteine, which is neutral and slightly polar, at codon 546 of the TNPO3 protein (p.Arg546Cys). This variant is present in population databases (rs148210365, gnomAD 0.006%). This variant has not been reported in the literature in individuals affected with TNPO3-related conditions. ClinVar contains an entry for this variant (Variation ID: 284684). Invitae Evidence Modeling of protein sequence and biophysical properties (such as structural, functional, and spatial information, amino acid conservation, physicochemical variation, residue mobility, and thermodynamic stability) indicates that this missense variant is not expected to disrupt TNPO3 protein function with a negative predictive value of 80%. In summary, the available evidence is currently insufficient to determine the role of this variant in disease. Therefore, it has been classified as a Variant of Uncertain Significance.

Revvity Omics, Revvity
Classification: Uncertain significance for Autosomal dominant limb-girdle muscular dystrophy type 1F. Last evaluated: 2024-11-26. Review status: criteria provided, single submitter. Criteria: ACMG Guidelines, 2015. Collection method: clinical testing. Allele origin: germline.

GeneDx
Classification: Uncertain significance. Last evaluated: 2024-11-20. Review status: criteria provided, single submitter. Criteria: GeneDx Variant Classification Process June 2021. Collection method: clinical testing. Allele origin: germline. Affected: yes.
Comment: In silico analysis supports that this missense variant has a deleterious effect on protein structure/function; Has not been previously published as pathogenic or benign to our knowledge

Blueprint Genetics
Classification: Uncertain significance. Last evaluated: 2023-11-27. Review status: criteria provided, single submitter. Criteria: ACMG Guidelines, 2015. Collection method: clinical testing. Allele origin: germline.

Eurofins Ntd Llc (ga)
Classification: Uncertain significance. Last evaluated: 2017-12-15. Review status: criteria provided, single submitter. Criteria: EGL Classification Definitions 2015. Collection method: clinical testing. Allele origin: germline. Observed: 4 variant alleles, 4 heterozygotes.